The following is an entry in ClinVar:

NM_000271.5(NPC1):c.2801G>A (p.Arg934Gln)

Gene: NPC1 (NPC intracellular cholesterol transporter 1; minus strand). Cytogenetic location: 18q11.2.
Variant type: single nucleotide variant.
Coding change: c.2801G>A on transcript NM_000271.5 (MANE Select); coding-DNA position 2801, G replaced by A.
Protein change: p.Arg934Gln; replaces arginine 934 with glutamine.
Molecular consequence: missense variant.
Genome position (GRCh38, 1-based): chr18:23,539,465, C>T on the plus strand (G>A on the coding strand, the complement: NPC1 is on the minus strand). VCF-style: chr18-23539465-C-T. GRCh37 (hg19) VCF-style: chr18-21119429-C-T.
Other names: short protein forms R934Q.
Identifiers: ClinVar variation 189117 (VCV000189117.26), dbSNP rs786204714, ClinGen allele CA274396.

ClinVar aggregate classification (germline): Pathogenic/Likely pathogenic. Review status: criteria provided, multiple submitters, no conflicts (2 of 4 stars). 4 submissions from 4 submitters: Pathogenic (2); Likely pathogenic (1). 1 of the submissions does not count toward it. Last evaluated 2025-05-01.

Conditions:
Niemann-Pick disease, type C1. Also called: NIEMANN-PICK DISEASE, VARIANT TYPE C1; NEUROVISCERAL STORAGE DISEASE WITH VERTICAL SUPRANUCLEAR OPHTHALMOPLEGIA; NIEMANN-PICK DISEASE WITH CHOLESTEROL ESTERIFICATION BLOCK; NIEMANN-PICK DISEASE WITHOUT SPHINGOMYELINASE DEFICIENCY; NIEMANN-PICK DISEASE, CHRONIC NEURONOPATHIC FORM. Identifiers: Orphanet 646, MedGen C3179455, MONDO:0009757, OMIM 257220.

Allele frequency attached by ClinVar (database versions not stated): gnomAD exomes below 0.00001 and 0.00002; gnomAD 0.00001; TOPMed 0.00001.
gnomAD v4.1: 25 of 1,610,568 alleles (0.0016%); highest among the groups gnomAD compares: Non-Finnish European, 0.002%; no homozygotes.

Submissions (4):

CeGaT Center for Human Genetics Tuebingen
Classification: Pathogenic. Last evaluated: 2025-05-01. Review status: criteria provided, single submitter. Criteria: CeGaT Center For Human Genetics Tuebingen Variant Classification Criteria Version 2. Collection method: clinical testing. Allele origin: germline. Affected: yes. Observed: 1 variant allele.
Comment: NPC1: PM3:Very Strong, PM1, PM2, PP4:Moderate

Labcorp Genetics (formerly Invitae), Labcorp
Classification: Likely pathogenic for Niemann-Pick disease, type C1. Last evaluated: 2020-12-04. Review status: criteria provided, single submitter. Criteria: Invitae Variant Classification Sherloc (09022015). Collection method: clinical testing. Allele origin: germline.
Comment: This variant has been observed in several individuals affected with Niemann-Pick disease (PMID: 10521290, 16126423, 17160617, 25236789). ClinVar contains an entry for this variant (Variation ID: 189117). This variant is not present in population databases (ExAC no frequency). This sequence change replaces arginine with glutamine at codon 934 of the NPC1 protein (p.Arg934Gln). The arginine residue is moderately conserved and there is a small physicochemical difference between arginine and glutamine. In summary, the currently available evidence indicates that the variant is pathogenic, but additional data are needed to prove that conclusively. Therefore, this variant has been classified as Likely Pathogenic. Algorithms developed to predict the effect of missense changes on protein structure and function (SIFT, PolyPhen-2, Align-GVGD) all suggest that this variant is likely to be tolerated, but these predictions have not been confirmed by published functional studies and their clinical significance is uncertain.

Centre for Mendelian Genomics, University Medical Centre Ljubljana
Classification: Pathogenic for Niemann-Pick disease, type C1. Last evaluated: 2019-02-18. Review status: criteria provided, single submitter. Criteria: ACMG Guidelines, 2015. Collection method: clinical testing. Allele origin: unknown. Affected: yes.
Comment: This variant was classified as: Pathogenic. The following ACMG criteria were applied in classifying this variant: PS1,PS3,PM2,PP3.

Counsyl
Classification: Likely pathogenic for Niemann-Pick disease type C1. Last evaluated: 2015-01-06. Review status: no assertion criteria provided. Collection method: literature only. Allele origin: unknown. Inheritance: Autosomal recessive inheritance. Not counted in ClinVar's aggregate classification.

Literature cited by the submitters: PubMed 10521290 (cited by Labcorp Genetics (formerly Invitae), Labcorp and Counsyl); PubMed 16126423 (cited by Labcorp Genetics (formerly Invitae), Labcorp and Counsyl); PubMed 17160617 (cited by Labcorp Genetics (formerly Invitae), Labcorp and Counsyl); PubMed 25236789 (cited by Labcorp Genetics (formerly Invitae), Labcorp and Counsyl); PubMed 12974729 (cited by Counsyl); PubMed 12955717 (cited by Counsyl); PubMed 15465421 (cited by Counsyl); PubMed 3378364 (cited by Counsyl); PubMed 11333381 (cited by Counsyl).